The following is an entry in ClinVar:

ClinVar aggregate classification (germline): Uncertain significance (1 of 4 stars; one submission).

Conditions:
Fanconi anemia (FA). Also called: Fanconi's anemia. Identifiers: Orphanet 84, MedGen C0015625, MeSH D005199, MONDO:0019391.

Submission:

Labcorp Genetics (formerly Invitae), Labcorp
Classification: Uncertain significance for Fanconi anemia. Last evaluated: 2023-04-25. Review status: criteria provided, single submitter. Criteria: Invitae Variant Classification Sherloc (09022015). Collection method: clinical testing. Allele origin: germline.
Comment: This variant is not present in population databases (gnomAD no frequency). This sequence change falls in intron 3 of the FANCD2 gene. It does not directly change the encoded amino acid sequence of the FANCD2 protein. It affects a nucleotide within the consensus splice site. This variant has not been reported in the literature in individuals affected with FANCD2-related conditions. In summary, the available evidence is currently insufficient to determine the role of this variant in disease. Therefore, it has been classified as a Variant of Uncertain Significance. Variants that disrupt the consensus splice site are a relatively common cause of aberrant splicing (PMID: 17576681, 9536098). Algorithms developed to predict the effect of sequence changes on RNA splicing suggest that this variant is not likely to affect RNA splicing.

Literature cited by the submitters: PubMed 17576681; PubMed 9536098.

NM_001018115.3(FANCD2):c.205+4_205+6del

Genes: FANCD2 (FA complementation group D2; plus strand), LOC107303338 (3p25 FANCD2 Alu-mediated recombination region; plus strand). Cytogenetic location: 3p25.3.
Variant type: Deletion.
Coding change: c.205+4_205+6del on transcript NM_001018115.3 (MANE Select); bases 4 to 6 of the intron after coding-DNA position 205, 3 bases deleted (ATA; older notation c.205+4_205+6delATA).
Molecular consequence: splice donor variant.
Genome position (GRCh38, 1-based): chr3:10,032,976-10,032,978, ATA deleted; deleting any 3 consecutive bases within chr3:10,032,974-10,032,978 gives the same sequence; the c. name uses the placement nearest the transcript's 3' end. VCF-style (leftmost placement, unchanged base first): chr3-10032973-GTAA-G. GRCh37 (hg19) VCF-style: chr3-10074657-GTAA-G.
Other names: c.205+4_205+6del (NM_001319984.2, NM_001374253.1, NM_033084.6 and 2 more transcripts).
Identifiers: ClinVar variation 2859254 (VCV002859254.3), dbSNP rs2470709649, ClinGen allele CA2739278305.